The following is an entry in ClinVar:

NM_001015880.2(PAPSS2):c.381+24_381+25insAAAAAAAAAAAAAAAAAAAAAAAAA

Gene: PAPSS2 (3'-phosphoadenosine 5'-phosphosulfate synthase 2; plus strand). Cytogenetic location: 10q23.31.
Variant type: Insertion.
Coding change: c.381+24_381+25insAAAAAAAAAAAAAAAAAAAAAAAAA on transcript NM_001015880.2 (MANE Select); bases 24 to 25 of the intron after coding-DNA position 381, AAAAAAAAAAAAAAAAAAAAAAAAA inserted.
Molecular consequence: intron variant.
Genome position: GRCh38 VCF-style: chr10-87713312-T-TAAAAAAAAAAAAAAAAAAAAAAAAA. GRCh37 (hg19) VCF-style: chr10-89473069-T-TAAAAAAAAAAAAAAAAAAAAAAAAA.
Other names: c.381+24_381+25insAAAAAAAAAAAAAAAAAAAAAAAAA (NM_004670.4).
Identifiers: ClinVar variation 2640660 (VCV002640660.24), dbSNP rs367885911, ClinGen allele CA930905773.

ClinVar aggregate classification (germline): Likely benign (1 of 4 stars; one submission).

Submission:

CeGaT Center for Human Genetics Tuebingen
Classification: Likely benign. Last evaluated: 2026-03-01. Review status: criteria provided, single submitter. Criteria: CeGaT Center For Human Genetics Tuebingen Variant Classification Criteria Version 2. Collection method: clinical testing. Allele origin: germline. Affected: yes. Observed: 3 variant alleles.
Comment: PAPSS2: BS2